The following is an entry in ClinVar:

NM_032634.4(PIGO):c.418A>G (p.Thr140Ala)

Gene: PIGO (phosphatidylinositol glycan anchor biosynthesis class O; minus strand). Cytogenetic location: 9p13.3.
Variant type: single nucleotide variant.
Coding change: c.418A>G on transcript NM_032634.4 (MANE Select); coding-DNA position 418, A replaced by G.
Protein change: p.Thr140Ala; replaces threonine 140 with alanine.
Molecular consequence: missense variant.
Genome position (GRCh38, 1-based): chr9:35,095,148, T>C on the plus strand (A>G on the coding strand, the complement: PIGO is on the minus strand). VCF-style: chr9-35095148-T-C. GRCh37 (hg19) VCF-style: chr9-35095145-T-C.
Other names: c.418A>G, p.Thr140Ala (NM_001201484.2, NM_152850.4); short protein forms T140A.
Identifiers: ClinVar variation 571960 (VCV000571960.8), dbSNP rs1564001736, ClinGen allele CA373324336.
Genomic context (GRCh38, chr9:35,095,148, plus strand): 5'-CCACTATGGCGTGGCTGGCGAAGTTACTACCAGCATCAATAAAGGTAGGCAGTGAGCCAG[T>C]GGTGAGGGCCTTGAGGCGCTGCATGGTGGTGGTAGGAGGGTCAACCTGAGATCGGTAGAG-3'
Protein context (NP_116023.2, residues 130-150): TTMQRLKALT[Thr140Ala]GSLPTFIDAG

ClinVar aggregate classification (germline): Uncertain significance (1 of 4 stars; one submission).

Conditions:
Hyperphosphatasia with impaired intellectual development syndrome 2. Also called: Hyperphosphatasia with intellectual disability syndrome 2; GLYCOSYLPHOSPHATIDYLINOSITOL BIOSYNTHESIS DEFECT 6. Identifiers: Orphanet 247262, MedGen C3553637, MONDO:0013882, OMIM 614749.

Submission:

Labcorp Genetics (formerly Invitae), Labcorp
Classification: Uncertain significance for Hyperphosphatasia with impaired intellectual development syndrome 2. Last evaluated: 2022-02-24. Review status: criteria provided, single submitter. Criteria: Invitae Variant Classification Sherloc (09022015). Collection method: clinical testing. Allele origin: germline.
Comment: In summary, the available evidence is currently insufficient to determine the role of this variant in disease. Therefore, it has been classified as a Variant of Uncertain Significance. Algorithms developed to predict the effect of missense changes on protein structure and function (SIFT, PolyPhen-2, Align-GVGD) all suggest that this variant is likely to be disruptive. ClinVar contains an entry for this variant (Variation ID: 571960). This variant has not been reported in the literature in individuals affected with PIGO-related conditions. This variant is not present in population databases (gnomAD no frequency). This sequence change replaces threonine, which is neutral and polar, with alanine, which is neutral and non-polar, at codon 140 of the PIGO protein (p.Thr140Ala).